The following is an entry in ClinVar:

NM_006269.2(RP1):c.3890G>A (p.Cys1297Tyr)

Gene: RP1 (RP1 axonemal microtubule associated; plus strand). Cytogenetic location: 8q12.1.
Variant type: single nucleotide variant.
Coding change: c.3890G>A on transcript NM_006269.2 (MANE Select); coding-DNA position 3890, G replaced by A.
Protein change: p.Cys1297Tyr; replaces cysteine 1297 with tyrosine.
Molecular consequence: missense variant. On other transcripts: intron variant (1).
Genome position (GRCh38, 1-based): chr8:54,627,772, G>A. VCF-style: chr8-54627772-G-A. GRCh37 (hg19) VCF-style: chr8-55540332-G-A.
Other names: c.787+5484G>A (NM_001375654.1); short protein forms C1297Y.
Identifiers: ClinVar variation 2002066 (VCV002002066.5), dbSNP rs750322665, ClinGen allele CA4751763.

ClinVar aggregate classification (germline): Uncertain significance. Review status: criteria provided, multiple submitters, no conflicts (2 of 4 stars). 2 submissions from 2 submitters: Uncertain significance (2). Last evaluated 2023-12-07.

Allele frequency attached by ClinVar (database versions not stated): ExAC 0.00001.
gnomAD v4.1: 1 of 1,614,066 alleles (0.000062%); highest among the groups gnomAD compares: South Asian, 0.0011%; no homozygotes.

Submissions (2):

Labcorp Genetics (formerly Invitae), Labcorp
Classification: Uncertain significance. Last evaluated: 2023-12-07. Review status: criteria provided, single submitter. Criteria: Invitae Variant Classification Sherloc (09022015). Collection method: clinical testing. Allele origin: germline.
Comment: This sequence change replaces cysteine, which is neutral and slightly polar, with tyrosine, which is neutral and polar, at codon 1297 of the RP1 protein (p.Cys1297Tyr). This variant is present in population databases (rs750322665, gnomAD 0.003%). This variant has not been reported in the literature in individuals affected with RP1-related conditions. ClinVar contains an entry for this variant (Variation ID: 2002066). Algorithms developed to predict the effect of missense changes on protein structure and function output the following: SIFT: "Not Available"; PolyPhen-2: "Benign"; Align-GVGD: "Not Available". The tyrosine amino acid residue is found in multiple mammalian species, which suggests that this missense change does not adversely affect protein function. In summary, the available evidence is currently insufficient to determine the role of this variant in disease. Therefore, it has been classified as a Variant of Uncertain Significance.

Blueprint Genetics
Classification: Uncertain significance. Last evaluated: 2022-06-08. Review status: criteria provided, single submitter. Criteria: ACMG Guidelines, 2015. Collection method: clinical testing. Allele origin: germline.